The following is an entry in ClinVar:

ClinVar aggregate classification (germline): Uncertain significance (1 of 4 stars; one submission).

Conditions:
Neuropathy, hereditary sensory and autonomic, type 2A (HSAN2A). Also called: ACROOSTEOLYSIS, GIACCAI TYPE; ACROOSTEOLYSIS, NEUROGENIC; MORVAN DISEASE; NEUROPATHY, CONGENITAL SENSORY; NEUROPATHY, HEREDITARY SENSORY RADICULAR, AUTOSOMAL RECESSIVE; NEUROPATHY, HEREDITARY SENSORY, TYPE IIA. Identifiers: Orphanet 970, MedGen C2752089, MONDO:0024309, OMIM 201300.
Pseudohypoaldosteronism type 2C (PHA2C). Also called: Pseudohypoaldosteronism Type IIC. Identifiers: Orphanet 757, Orphanet 88940, MedGen C1840391, MONDO:0013778, OMIM 614492.

Allele frequency attached by ClinVar (database versions not stated): gnomAD exomes below 0.00001; TOPMed 0.00001.
gnomAD v4.1: 1 of 1,613,904 alleles (0.000062%); highest among the groups gnomAD compares: Admixed American, 0.0017%; no homozygotes.

Submission:

Labcorp Genetics (formerly Invitae), Labcorp
Classification: Uncertain significance for Neuropathy, hereditary sensory and autonomic, type 2A; Pseudohypoaldosteronism type 2C. Last evaluated: 2022-12-08. Review status: criteria provided, single submitter. Criteria: Invitae Variant Classification Sherloc (09022015). Collection method: clinical testing. Allele origin: germline.
Comment: Variants that disrupt the consensus splice site are a relatively common cause of aberrant splicing (PMID: 17576681, 9536098). Algorithms developed to predict the effect of sequence changes on RNA splicing suggest that this variant is not likely to affect RNA splicing. This sequence change falls in intron 7 of the WNK1 gene. It does not directly change the encoded amino acid sequence of the WNK1 protein. It affects a nucleotide within the consensus splice site. This variant is present in population databases (no rsID available, gnomAD 0.003%). This variant has not been reported in the literature in individuals affected with WNK1-related conditions. In summary, the available evidence is currently insufficient to determine the role of this variant in disease. Therefore, it has been classified as a Variant of Uncertain Significance.

Literature cited by the submitters: PubMed 17576681; PubMed 9536098.

NM_018979.4(WNK1):c.1951+3A>G

Gene: WNK1 (WNK lysine deficient protein kinase 1; plus strand). Cytogenetic location: 12p13.33.
Variant type: single nucleotide variant.
Coding change: c.1951+3A>G on transcript NM_018979.4 (MANE Select); 3 bases into the intron after coding-DNA position 1951, A replaced by G.
Molecular consequence: intron variant.
Genome position (GRCh38, 1-based): chr12:861,346, A>G. VCF-style: chr12-861346-A-G. GRCh37 (hg19) VCF-style: chr12-970512-A-G.
Other names: c.1951+3A>G (NM_213655.5, NM_001184985.2, NM_014823.3).
Identifiers: ClinVar variation 2944348 (VCV002944348.3), dbSNP rs1015822441, ClinGen allele CA231491377.